The following is an entry in ClinVar:

NM_001312673.2(PCYT1A):c.107G>A (p.Arg36His)

Gene: PCYT1A (phosphate cytidylyltransferase 1A, choline; minus strand). Cytogenetic location: 3q29.
Variant type: single nucleotide variant.
Coding change: c.107G>A on transcript NM_001312673.2 (MANE Select); coding-DNA position 107, G replaced by A.
Protein change: p.Arg36His; replaces arginine 36 with histidine.
Molecular consequence: missense variant.
Genome position (GRCh38, 1-based): chr3:196,270,425, C>T on the plus strand (G>A on the coding strand, the complement: PCYT1A is on the minus strand). VCF-style: chr3-196270425-C-T. GRCh37 (hg19) VCF-style: chr3-195997296-C-T.
Other names: c.107G>A, p.Arg36His (NM_005017.4); short protein forms R36H.
Identifiers: ClinVar variation 1435731 (VCV001435731.6), dbSNP rs772948955, ClinGen allele CA2779651.

ClinVar aggregate classification (germline): Uncertain significance (1 of 4 stars; one submission).

Allele frequency attached by ClinVar (database versions not stated): TOPMed 0.00002; gnomAD 0.00003.
gnomAD v4.1: 64 of 1,610,682 alleles (0.004%); highest among the groups gnomAD compares: Non-Finnish European, 0.0048%; no homozygotes.

Submission:

Labcorp Genetics (formerly Invitae), Labcorp
Classification: Uncertain significance. Last evaluated: 2022-07-06. Review status: criteria provided, single submitter. Criteria: Invitae Variant Classification Sherloc (09022015). Collection method: clinical testing. Allele origin: germline.
Comment: In summary, the available evidence is currently insufficient to determine the role of this variant in disease. Therefore, it has been classified as a Variant of Uncertain Significance. Advanced modeling of protein sequence and biophysical properties (such as structural, functional, and spatial information, amino acid conservation, physicochemical variation, residue mobility, and thermodynamic stability) performed at Invitae indicates that this missense variant is not expected to disrupt PCYT1A protein function. ClinVar contains an entry for this variant (Variation ID: 1435731). This variant has not been reported in the literature in individuals affected with PCYT1A-related conditions. This variant is present in population databases (rs772948955, gnomAD 0.01%). This sequence change replaces arginine, which is basic and polar, with histidine, which is basic and polar, at codon 36 of the PCYT1A protein (p.Arg36His).